The following is an entry in ClinVar:

NM_002693.3(POLG):c.-80C>T

Gene: POLG (DNA polymerase gamma, catalytic subunit; minus strand). Cytogenetic location: 15q26.1.
Variant type: single nucleotide variant.
Coding change: c.-80C>T on transcript NM_002693.3 (MANE Select); 80 bases upstream of the start codon, C replaced by T.
Molecular consequence: 5 prime UTR variant.
Genome position (GRCh38, 1-based): chr15:89,333,834, G>A on the plus strand (C>T on the coding strand, the complement: POLG is on the minus strand). VCF-style: chr15-89333834-G-A. GRCh37 (hg19) VCF-style: chr15-89877065-G-A.
Other names: c.-80C>T (NM_001126131.2).
Identifiers: ClinVar variation 317337 (VCV000317337.31), dbSNP rs3087378, ClinGen allele CA10647470.

ClinVar aggregate classification (germline): Conflicting classifications of pathogenicity. Review status: criteria provided, conflicting classifications (1 of 4 stars). 7 submissions from 7 submitters: Uncertain significance (2); Benign (2); Likely benign (2). 1 of the submissions does not count toward it. Last evaluated 2026-09-01.

Conditions:
POLG-related disorder. Also called: POLG-Related Spectrum Disorders; POLG-related condition; POLG-Related Disorders. Identifiers: MedGen C4763519.
Inborn genetic diseases. Identifiers: MedGen C0950123, MeSH D030342.
Progressive sclerosing poliodystrophy (MTDPS4A). Also called: Mitochondrial DNA depletion syndrome 4A (Alpers type); Alpers Syndrome; Mitochondrial DNA Depletion Syndrome 4A; Alpers-Huttenlocher Syndrome (AHS); ALPERS PROGRESSIVE INFANTILE POLIODYSTROPHY; NEURONAL DEGENERATION OF CHILDHOOD WITH LIVER DISEASE, PROGRESSIVE. Identifiers: Orphanet 726, MedGen C0205710, MONDO:0008758, OMIM 203700.

Allele frequency attached by ClinVar (database versions not stated): 1000 Genomes Project 30x 0.00281; 1000 Genomes Project 0.00300; TOPMed 0.00417; gnomAD 0.00435 and 0.00437; gnomAD exomes 0.00684.
gnomAD v4.1: 9,681 of 1,488,088 alleles (0.65%); highest among the groups gnomAD compares: Middle Eastern, 0.94%; 49 homozygotes.

Submissions (7):

CeGaT Center for Human Genetics Tuebingen
Classification: Likely benign. Last evaluated: 2026-09-01. Review status: criteria provided, single submitter. Criteria: CeGaT Center For Human Genetics Tuebingen Variant Classification Criteria Version 2. Collection method: clinical testing. Allele origin: germline. Affected: yes. Observed: 34 variant alleles.
Comment: POLG: BS2

Labcorp Genetics (formerly Invitae), Labcorp
Classification: Benign for Progressive sclerosing poliodystrophy. Last evaluated: 2025-09-04. Review status: criteria provided, single submitter. Criteria: Invitae Variant Classification Sherloc (09022015). Collection method: clinical testing. Allele origin: germline.

Ambry Genetics
Classification: Likely benign for Inborn genetic diseases. Last evaluated: 2021-11-11. Review status: criteria provided, single submitter. Criteria: Ambry Variant Classification Scheme 2023. Collection method: clinical testing. Allele origin: germline.

Eurofins Ntd Llc (ga)
Classification: Uncertain significance. Last evaluated: 2018-08-30. Review status: criteria provided, single submitter. Criteria: EGL ClinVar v180209 classification definitions. Collection method: clinical testing. Allele origin: germline. Observed: 2 variant alleles, 2 heterozygotes.

Illumina Laboratory Services, Illumina
Classification: Uncertain significance for POLG-Related Spectrum Disorders. Last evaluated: 2018-01-13. Review status: criteria provided, single submitter. Criteria: ICSL Variant Classification Criteria 13 December 2019. Collection method: clinical testing. Allele origin: germline.

GeneDx
Classification: Benign. Last evaluated: 2015-03-03. Review status: criteria provided, single submitter. Criteria: GeneDx Variant Classification Process June 2021. Collection method: clinical testing. Allele origin: germline. Affected: yes.
Comment: This variant is associated with the following publications: (PMID: 28776642)

PreventionGenetics, part of Exact Sciences
Classification: Likely benign for POLG-related condition. Last evaluated: 2021-03-08. Review status: no assertion criteria provided. Collection method: clinical testing. Allele origin: germline. Not counted in ClinVar's aggregate classification.
Comment: This variant is classified as likely benign based on ACMG/AMP sequence variant interpretation guidelines (Richards et al. 2015 PMID: 25741868, with internal and published modifications).